The following is an entry in ClinVar:

ClinVar aggregate classification (germline): Uncertain significance. Review status: criteria provided, multiple submitters, no conflicts (2 of 4 stars). 2 submissions from 2 submitters: Uncertain significance (2). Last evaluated 2025-02-20.

gnomAD v4.1: 9 of 1,614,022 alleles (0.00056%); highest among the groups gnomAD compares: African/African-American, 0.0067%; no homozygotes.

Submissions (2):

Ambry Genetics
Classification: Uncertain significance. Last evaluated: 2025-02-20. Review status: criteria provided, single submitter. Criteria: Ambry Variant Classification Scheme 2023. Collection method: clinical testing. Allele origin: germline.

Labcorp Genetics (formerly Invitae), Labcorp
Classification: Uncertain significance. Last evaluated: 2024-07-17. Review status: criteria provided, single submitter. Criteria: Invitae Variant Classification Sherloc (09022015). Collection method: clinical testing. Allele origin: germline.
Comment: This sequence change replaces glutamic acid, which is acidic and polar, with glutamine, which is neutral and polar, at codon 25 of the ARHGEF10 protein (p.Glu25Gln). This variant is present in population databases (rs527779906, gnomAD 0.007%). This variant has not been reported in the literature in individuals affected with ARHGEF10-related conditions. An algorithm developed to predict the effect of missense changes on protein structure and function (PolyPhen-2) suggests that this variant is likely to be disruptive. In summary, the available evidence is currently insufficient to determine the role of this variant in disease. Therefore, it has been classified as a Variant of Uncertain Significance.

NM_014629.4(ARHGEF10):c.73G>C (p.Glu25Gln)

Gene: ARHGEF10 (Rho guanine nucleotide exchange factor 10; plus strand). Cytogenetic location: 8p23.3.
Variant type: single nucleotide variant.
Coding change: c.73G>C on transcript NM_014629.4 (MANE Select); coding-DNA position 73, G replaced by C.
Protein change: p.Glu25Gln; replaces glutamic acid 25 with glutamine.
Molecular consequence: missense variant.
Genome position (GRCh38, 1-based): chr8:1,857,995, G>C. VCF-style: chr8-1857995-G-C. GRCh37 (hg19) VCF-style: chr8-1806161-G-C.
Other names: c.73G>C, p.Glu25Gln (NM_001308152.2, NM_001308153.3); short protein forms E25Q, E49Q.
Identifiers: ClinVar variation 3614803 (VCV003614803.3).